The following is an entry in ClinVar:

NM_020921.4(NIN):c.4289T>C (p.Ile1430Thr)

Gene: NIN (ninein; minus strand). Cytogenetic location: 14q22.1.
Variant type: single nucleotide variant.
Coding change: c.4289T>C on transcript NM_020921.4 (MANE Select); coding-DNA position 4289, T replaced by C.
Protein change: p.Ile1430Thr; replaces isoleucine 1430 with threonine.
Molecular consequence: missense variant. On other transcripts: intron variant (1).
Genome position (GRCh38, 1-based): chr14:50,756,741, A>G on the plus strand (T>C on the coding strand, the complement: NIN is on the minus strand). VCF-style: chr14-50756741-A-G. GRCh37 (hg19) VCF-style: chr14-51223459-A-G.
Other names: c.4289T>C, p.Ile1430Thr (NM_182944.3, NM_182946.2); c.2400-1874T>C (NM_016350.5); short protein forms I1430T.
Identifiers: ClinVar variation 2990178 (VCV002990178.3), dbSNP rs139416459, ClinGen allele CA7181616.

ClinVar aggregate classification (germline): Uncertain significance (1 of 4 stars; one submission).

Allele frequency attached by ClinVar (database versions not stated): TOPMed 0.00005; ExAC 0.00009; gnomAD exomes below 0.00001; gnomAD 0.00002; ESP Exome Variant Server 0.00027.
gnomAD v4.1: 6 of 1,551,502 alleles (0.00039%); highest among the groups gnomAD compares: African/African-American, 0.0055%; no homozygotes.

Submission:

Labcorp Genetics (formerly Invitae), Labcorp
Classification: Uncertain significance. Last evaluated: 2024-01-25. Review status: criteria provided, single submitter. Criteria: Invitae Variant Classification Sherloc (09022015). Collection method: clinical testing. Allele origin: germline.
Comment: This sequence change replaces isoleucine, which is neutral and non-polar, with threonine, which is neutral and polar, at codon 1430 of the NIN protein (p.Ile1430Thr). This variant is present in population databases (rs139416459, gnomAD 0.01%). This variant has not been reported in the literature in individuals affected with NIN-related conditions. Algorithms developed to predict the effect of missense changes on protein structure and function output the following: SIFT: "Not Available"; PolyPhen-2: "Benign"; Align-GVGD: "Not Available". The threonine amino acid residue is found in multiple mammalian species, which suggests that this missense change does not adversely affect protein function. In summary, the available evidence is currently insufficient to determine the role of this variant in disease. Therefore, it has been classified as a Variant of Uncertain Significance.